The following is an entry in ClinVar:

NM_139057.4(ADAMTS17):c.*1779T>C

Gene: ADAMTS17 (ADAM metallopeptidase with thrombospondin type 1 motif 17; minus strand). Cytogenetic location: 15q26.3.
Variant type: single nucleotide variant.
Coding change: c.*1779T>C on transcript NM_139057.4 (MANE Select); 1779 bases downstream of the stop codon, T replaced by C.
Molecular consequence: 3 prime UTR variant.
Genome position (GRCh38, 1-based): chr15:99,972,623, A>G on the plus strand (T>C on the coding strand, the complement: ADAMTS17 is on the minus strand). VCF-style: chr15-99972623-A-G. GRCh37 (hg19) VCF-style: chr15-100512828-A-G.
Identifiers: ClinVar variation 315171 (VCV000315171.6), dbSNP rs12440706, ClinGen allele CA10636895.

ClinVar aggregate classification (germline): Benign. Review status: criteria provided, multiple submitters, no conflicts (2 of 4 stars). 2 submissions from 2 submitters: Benign (2). Last evaluated 2018-01-12.

Conditions:
Weill-Marchesani 4 syndrome, recessive. Also called: Weill-Marchesani syndrome 4. Identifiers: Orphanet 363992, MedGen C2750787, MONDO:0013176, OMIM 613195.

Allele frequency attached by ClinVar (database versions not stated): 1000 Genomes Project 30x 0.21127; 1000 Genomes Project 0.21206; TOPMed 0.23302; gnomAD 0.24773 and 0.24902; gnomAD exomes 0.33333.
gnomAD v4.1: 37,811 of 152,142 alleles (25%); highest among the groups gnomAD compares: Non-Finnish European, 32%; 5,466 homozygotes.

Submissions (2):

Illumina Laboratory Services, Illumina
Classification: Benign for Weill-Marchesani 4 syndrome, recessive. Last evaluated: 2018-01-12. Review status: criteria provided, single submitter. Criteria: ICSL Variant Classification Criteria 13 December 2019. Collection method: clinical testing. Allele origin: germline.
Comment: This variant was observed in the ICSL laboratory as part of a predisposition screen in an ostensibly healthy population. It had not been previously curated by ICSL or reported in the Human Gene Mutation Database (HGMD: prior to June 1st, 2018), and was therefore a candidate for classification through an automated scoring system. Utilizing variant allele frequency, disease prevalence and penetrance estimates, and inheritance mode, an automated score was calculated to assess if this variant is too frequent to cause the disease. Based on the score and internal cut-off values, a variant classified as benign is not then subjected to further curation. The score for this variant resulted in a classification of benign for this disease.

Breakthrough Genomics
Classification: Benign. Review status: criteria provided, single submitter. Criteria: ACMG Guidelines, 2015. Collection method: not provided. Allele origin: germline. Inheritance: Autosomal recessive inheritance. Affected: yes.